The following is an entry in ClinVar:

ClinVar aggregate classification (germline): Pathogenic (1 of 4 stars; one submission).

Conditions:
Lissencephaly type 1 due to doublecortin gene mutation. Also called: LISSENCEPHALY, X-LINKED, 1; LISSENCEPHALY AND AGENESIS OF CORPUS CALLOSUM. Identifiers: Orphanet 2148, MedGen C4551968, MONDO:0010239, OMIM 300067.

Submission:

Institute of Human Genetics, University of Leipzig Medical Center
Classification: Pathogenic for Lissencephaly type 1 due to doublecortin gene mutation. Last evaluated: 2022-03-28. Review status: criteria provided, single submitter. Criteria: ACMG Guidelines, 2015. Collection method: clinical testing. Allele origin: de novo. Affected: yes.
Comment: This variant was identified as de novo (maternity and paternity confirmed)._x000D_ Criteria applied: PVS1, PM2_SUP, PS2_MOD, PM2_MOD

NM_001195553.2(DCX):c.628del (p.Val210fs)

Gene: DCX (doublecortin; minus strand). Cytogenetic location: Xq23.
Variant type: Deletion.
Coding change: c.628del on transcript NM_001195553.2 (MANE Select); coding-DNA position 628, one base deleted (G; older notation c.628delG).
Protein change: p.Val210fs; shifts the reading frame from valine 210.
Molecular consequence: frameshift variant.
Genome position (GRCh38, 1-based): chrX:111,401,067, C deleted on the plus strand (G on the coding strand, the reverse complement: DCX is on the minus strand). VCF-style (leftmost placement, unchanged base first): chrX-111401066-AC-A. GRCh37 (hg19) VCF-style: chrX-110644294-AC-A.
Other names: c.871del, p.Val291fs (NM_000555.3); c.628del, p.Val210fs (NM_001369370.1, NM_001369371.1, NM_001369372.1 and 5 more transcripts); short protein forms V210fs, V291fs.
Identifiers: ClinVar variation 1342885 (VCV001342885.2), dbSNP rs2147262801, ClinGen allele CA2573055069.